The following is an entry in ClinVar:

ClinVar aggregate classification (germline): Uncertain significance (1 of 4 stars; one submission).

Submission:

GeneDx
Classification: Uncertain significance. Last evaluated: 2025-03-13. Review status: criteria provided, single submitter. Criteria: GeneDx Variant Classification Process June 2021. Collection method: clinical testing. Allele origin: germline. Affected: yes.
Comment: Not observed at significant frequency in large population cohorts (gnomAD); In silico analysis supports that this missense variant has a deleterious effect on protein structure/function; Has not been previously published as pathogenic or benign to our knowledge

NM_002471.4(MYH6):c.1588G>C (p.Gly530Arg)

Gene: MYH6 (myosin heavy chain 6; minus strand). Cytogenetic location: 14q11.2.
Variant type: single nucleotide variant.
Coding change: c.1588G>C on transcript NM_002471.4 (MANE Select); coding-DNA position 1588, G replaced by C.
Protein change: p.Gly530Arg; replaces glycine 530 with arginine.
Molecular consequence: missense variant.
Genome position (GRCh38, 1-based): chr14:23,399,031, C>G on the plus strand (G>C on the coding strand, the complement: MYH6 is on the minus strand). VCF-style: chr14-23399031-C-G. GRCh37 (hg19) VCF-style: chr14-23868240-C-G.
Other names: short protein forms G530R.
Identifiers: ClinVar variation 2572684 (VCV002572684.2), dbSNP rs886050411, ClinGen allele CA389021165.